The following is an entry in ClinVar:

NM_022081.6(HPS4):c.1480G>A (p.Val494Ile)

Gene: HPS4 (HPS4 biogenesis of lysosomal organelles complex 3 subunit 2; minus strand). Cytogenetic location: 22q12.1.
Variant type: single nucleotide variant.
Coding change: c.1480G>A on transcript NM_022081.6 (MANE Select); coding-DNA position 1480, G replaced by A.
Protein change: p.Val494Ile; replaces valine 494 with isoleucine.
Molecular consequence: missense variant. On other transcripts: non-coding transcript variant (8).
Genome position (GRCh38, 1-based): chr22:26,464,150, C>T on the plus strand (G>A on the coding strand, the complement: HPS4 is on the minus strand). VCF-style: chr22-26464150-C-T. GRCh37 (hg19) VCF-style: chr22-26860116-C-T.
Other names: c.1480G>A, p.Val494Ile (NM_001349896.1, NM_001349898.2, NM_001349899.2 and 5 more transcripts); c.1534G>A, p.Val512Ile (NM_001349900.2, NM_001349901.1); c.1465G>A, p.Val489Ile (NM_152841.2); short protein forms V494I, V512I, V489I.
Identifiers: ClinVar variation 2095291 (VCV002095291.4), dbSNP rs757988379, ClinGen allele CA10163313.
Genomic context (GRCh38, chr22:26,464,150, plus strand): 5'-TTGCTGAGCCTGAACTGCATTCCAGACCAGGGGCTGCGTGGCTTTCACAGACCCCATCAA[C>T]ATCCTCATCCAGGCCTTGTTCCCCCGTGGGAAGCTTGTTTCCTCTCTGTCCTGGATCTAA-3'
Protein context (NP_071364.4, residues 484-504): PTGEQGLDED[Val494Ile]DGVCESHAAP

ClinVar aggregate classification (germline): Uncertain significance (1 of 4 stars; one submission).

Allele frequency attached by ClinVar (database versions not stated): ExAC 0.00001; gnomAD exomes 0.00001.
gnomAD v4.1: 4 of 1,614,278 alleles (0.00025%); highest among the groups gnomAD compares: South Asian, 0.0044%; no homozygotes.

Submission:

Labcorp Genetics (formerly Invitae), Labcorp
Classification: Uncertain significance. Last evaluated: 2022-08-06. Review status: criteria provided, single submitter. Criteria: Invitae Variant Classification Sherloc (09022015). Collection method: clinical testing. Allele origin: germline.
Comment: This variant is present in population databases (rs757988379, gnomAD 0.01%). This sequence change replaces valine, which is neutral and non-polar, with isoleucine, which is neutral and non-polar, at codon 494 of the HPS4 protein (p.Val494Ile). In summary, the available evidence is currently insufficient to determine the role of this variant in disease. Therefore, it has been classified as a Variant of Uncertain Significance. Algorithms developed to predict the effect of missense changes on protein structure and function (SIFT, PolyPhen-2, Align-GVGD) all suggest that this variant is likely to be tolerated. This variant has not been reported in the literature in individuals affected with HPS4-related conditions.